The following is an entry in ClinVar:

ClinVar aggregate classification (germline): Benign/Likely benign. Review status: criteria provided, multiple submitters, no conflicts (2 of 4 stars). 5 submissions from 5 submitters: Benign (1); Likely benign (4). Last evaluated 2026-05-21.

Conditions:
REEP1-related disorder. Also called: REEP1-related condition.
Inborn genetic diseases. Identifiers: MedGen C0950123, MeSH D030342.
Hereditary spastic paraplegia 31. Also called: SPASTIC PARAPLEGIA 31, AUTOSOMAL DOMINANT. Identifiers: Orphanet 101011, MedGen C1853247, MONDO:0012453, OMIM 610250.

Allele frequency attached by ClinVar (database versions not stated): TOPMed 0.00011; ExAC 0.00021; 1000 Genomes Project 30x 0.00078; 1000 Genomes Project 0.00080.
gnomAD v4.1: 196 of 1,609,700 alleles (0.012%); highest among the groups gnomAD compares: East Asian, 0.33%; 1 homozygote.

Submissions (5):

Women's Health and Genetics/Laboratory Corporation of America, LabCorp
Classification: Likely benign. Last evaluated: 2026-05-21. Review status: criteria provided, single submitter. Criteria: LabCorp Variant Classification Summary - May 2015. Collection method: clinical testing. Allele origin: germline.

Labcorp Genetics (formerly Invitae), Labcorp
Classification: Benign for Hereditary spastic paraplegia 31. Last evaluated: 2025-08-20. Review status: criteria provided, single submitter. Criteria: Invitae Variant Classification Sherloc (09022015). Collection method: clinical testing. Allele origin: germline.

PreventionGenetics, part of Exact Sciences
Classification: Likely benign for REEP1-related condition. Last evaluated: 2025-03-17. Review status: criteria provided, single submitter. Criteria: ACMG Guidelines, 2015. Collection method: clinical testing. Allele origin: germline.
Comment: This variant is classified as likely benign based on ACMG/AMP sequence variant interpretation guidelines (Richards et al. 2015 PMID: 25741868, with internal and published modifications).

Blueprint Genetics
Classification: Likely benign. Last evaluated: 2024-10-21. Review status: criteria provided, single submitter. Criteria: ACMG Guidelines, 2015. Collection method: clinical testing. Allele origin: germline.

Ambry Genetics
Classification: Likely benign for Inborn genetic diseases. Last evaluated: 2019-07-11. Review status: criteria provided, single submitter. Criteria: Ambry Variant Classification Scheme 2023. Collection method: clinical testing. Allele origin: germline.

NM_001371279.1(REEP1):c.60G>A (p.Ala20=)

Gene: REEP1 (receptor accessory protein 1; minus strand). Cytogenetic location: 2p11.2.
Variant type: single nucleotide variant.
Coding change: c.60G>A on transcript NM_001371279.1 (MANE Select); coding-DNA position 60, G replaced by A.
Protein change: p.Ala20=; no amino-acid change (alanine 20 retained).
Molecular consequence: synonymous variant. On other transcripts: intron variant (1).
Genome position (GRCh38, 1-based): chr2:86,282,215, C>T on the plus strand (G>A on the coding strand, the complement: REEP1 is on the minus strand). VCF-style: chr2-86282215-C-T. GRCh37 (hg19) VCF-style: chr2-86509338-C-T.
Other names: c.81G>A, p.Ala27= (NM_001164730.2); c.60G>A, p.Ala20= (NM_001164732.2, NM_001371280.1, NM_022912.3); c.25-18174G>A (NM_001164731.2).
Identifiers: ClinVar variation 534222 (VCV000534222.17), dbSNP rs186480337, ClinGen allele CA1748849.